The following is an entry in ClinVar:

NM_006231.4(POLE):c.1284C>T (p.Ala428=)

Gene: POLE (DNA polymerase epsilon, catalytic subunit; minus strand). Cytogenetic location: 12q24.33.
Variant type: single nucleotide variant.
Coding change: c.1284C>T on transcript NM_006231.4 (MANE Select); coding-DNA position 1284, C replaced by T.
Protein change: p.Ala428=; no amino-acid change (alanine 428 retained).
Molecular consequence: synonymous variant.
Genome position (GRCh38, 1-based): chr12:132,673,650, G>A on the plus strand (C>T on the coding strand, the complement: POLE is on the minus strand). VCF-style: chr12-132673650-G-A. GRCh37 (hg19) VCF-style: chr12-133250236-G-A.
Identifiers: ClinVar variation 473446 (VCV000473446.11), dbSNP rs1555228629, ClinGen allele CA482722802.

ClinVar aggregate classification (germline): Conflicting classifications of pathogenicity. Review status: criteria provided, conflicting classifications (1 of 4 stars). 3 submissions from 3 submitters: Uncertain significance (1); Benign (1); Likely benign (1). Last evaluated 2025-09-23.

Conditions:
Colorectal cancer, susceptibility to, 12 (CRCS12). Also called: COLORECTAL CANCER, SUSCEPTIBILITY TO, ON CHROMOSOME 12q24. Identifiers: Orphanet 220460, MedGen C3554460, MONDO:0014038, OMIM 615083.

Allele frequency attached by ClinVar (database versions not stated): TOPMed below 0.00001.

Submissions (3):

Labcorp Genetics (formerly Invitae), Labcorp
Classification: Likely benign. Last evaluated: 2025-09-23. Review status: criteria provided, single submitter. Criteria: Invitae Variant Classification Sherloc (09022015). Collection method: clinical testing. Allele origin: germline.

Myriad Genetics, Inc.
Classification: Benign for Colorectal cancer, susceptibility to, 12. Last evaluated: 2025-02-10. Review status: criteria provided, single submitter. Criteria: Myriad Autosomal Dominant, Autosomal Recessive and X-Linked Classification Criteria (2023). Collection method: clinical testing. Allele origin: unknown.
Comment: This variant is considered benign. This variant is a silent/synonymous amino acid change and it is not expected to impact splicing.

Quest Diagnostics Nichols Institute San Juan Capistrano
Classification: Uncertain significance. Last evaluated: 2024-01-04. Review status: criteria provided, single submitter. Criteria: Quest Diagnostics criteria. Collection method: clinical testing. Allele origin: unknown.
Comment: The POLE c.1284C>T (p.Ala428=) synonymous variant has not been reported in the germline state in individuals with POLE-related conditions. This variant has not been reported in large, multi-ethnic general populations (Genome Aggregation Database). Analysis of this variant using software algorithms for the prediction of the effect of nucleotide changes on splicing yielded predictions that this variant does not affect POLE mRNA splicing. Based on the available information, we are unable to determine the clinical significance of this variant.

Literature cited by the submitters: PubMed 33365374 (cited by Quest Diagnostics Nichols Institute San Juan Capistrano).